The following is an entry in ClinVar:

ClinVar aggregate classification (germline): Uncertain significance. Review status: criteria provided, multiple submitters, no conflicts (2 of 4 stars). 2 submissions from 2 submitters: Uncertain significance (2). Last evaluated 2024-10-21.

Conditions:
Amyotrophic lateral sclerosis type 21. Also called: VOCAL CORD AND PHARYNGEAL DYSFUNCTION WITH DISTAL MYOPATHY; MYOPATHY, DISTAL, 2. Identifiers: Orphanet 600, Orphanet 803, MedGen C3807521, MONDO:0011632, OMIM 606070.

Allele frequency attached by ClinVar (database versions not stated): gnomAD exomes below 0.00001 and 0.00001; gnomAD 0.00001; TOPMed 0.00003.
gnomAD v4.1: 7 of 1,613,974 alleles (0.00043%); highest among the groups gnomAD compares: African/African-American, 0.008%; no homozygotes.

Submissions (2):

Labcorp Genetics (formerly Invitae), Labcorp
Classification: Uncertain significance for Amyotrophic lateral sclerosis type 21. Last evaluated: 2024-10-21. Review status: criteria provided, single submitter. Criteria: Invitae Variant Classification Sherloc (09022015). Collection method: clinical testing. Allele origin: germline.
Comment: This sequence change replaces asparagine, which is neutral and polar, with serine, which is neutral and polar, at codon 380 of the MATR3 protein (p.Asn380Ser). This variant is present in population databases (no rsID available, gnomAD 0.01%). This variant has not been reported in the literature in individuals affected with MATR3-related conditions. ClinVar contains an entry for this variant (Variation ID: 953293). Invitae Evidence Modeling of protein sequence and biophysical properties (such as structural, functional, and spatial information, amino acid conservation, physicochemical variation, residue mobility, and thermodynamic stability) indicates that this missense variant is not expected to disrupt MATR3 protein function with a negative predictive value of 80%. In summary, the available evidence is currently insufficient to determine the role of this variant in disease. Therefore, it has been classified as a Variant of Uncertain Significance.

Revvity Omics, Revvity
Classification: Uncertain significance for Amyotrophic lateral sclerosis type 21. Last evaluated: 2019-06-21. Review status: criteria provided, single submitter. Criteria: ACMG Guidelines, 2015. Collection method: clinical testing. Allele origin: germline.

NM_018834.6(MATR3):c.1139A>G (p.Asn380Ser)

Gene: MATR3 (matrin 3; plus strand). Cytogenetic location: 5q31.2.
Variant type: single nucleotide variant.
Coding change: c.1139A>G on transcript NM_018834.6 (MANE Select); coding-DNA position 1139, A replaced by G.
Protein change: p.Asn380Ser; replaces asparagine 380 with serine.
Molecular consequence: missense variant.
Genome position (GRCh38, 1-based): chr5:139,317,062, A>G. VCF-style: chr5-139317062-A-G. GRCh37 (hg19) VCF-style: chr5-138652751-A-G.
Other names: c.1139A>G, p.Asn380Ser (NM_001194954.2, NM_001194955.2, NM_199189.3); c.275A>G, p.Asn92Ser (NM_001194956.2); c.125A>G, p.Asn42Ser (NM_001282278.2); short protein forms N92S, N380S, N42S.
Identifiers: ClinVar variation 953293 (VCV000953293.12), dbSNP rs948428305, ClinGen allele CA128233476.